The following is an entry in ClinVar:

NM_000784.4(CYP27A1):c.79dup (p.Ala27fs)

Gene: CYP27A1 (cytochrome P450 family 27 subfamily A member 1; plus strand). Cytogenetic location: 2q35.
Variant type: Duplication.
Coding change: c.79dup on transcript NM_000784.4 (MANE Select); coding-DNA position 79, one base duplicated (G; older notation c.79dupG).
Protein change: p.Ala27fs; shifts the reading frame from alanine 27.
Molecular consequence: frameshift variant.
Genome position (GRCh38, 1-based): chr2:218,782,261, G duplicated. VCF-style (leftmost placement, unchanged base first): chr2-218782260-A-AG. GRCh37 (hg19) VCF-style: chr2-219646983-A-AG.
Other names: short protein forms A27fs.
Identifiers: ClinVar variation 2750796 (VCV002750796.3), dbSNP rs2470201771, ClinGen allele CA2577246349.

ClinVar aggregate classification (germline): Pathogenic (1 of 4 stars; one submission).

Conditions:
Cholestanol storage disease (CTX). Also called: CTX: Cerebrotendinous xanthomatosis; Cerebrotendinous Xanthomatosis; CEREBRAL CHOLESTERINOSIS. Identifiers: Orphanet 909, MedGen C0238052, MONDO:0008948, OMIM 213700.

Allele frequency attached by ClinVar (database versions not stated): gnomAD exomes below 0.00001.

Submission:

Labcorp Genetics (formerly Invitae), Labcorp
Classification: Pathogenic for Cholestanol storage disease. Last evaluated: 2023-08-07. Review status: criteria provided, single submitter. Criteria: Invitae Variant Classification Sherloc (09022015). Collection method: clinical testing. Allele origin: germline.
Comment: For these reasons, this variant has been classified as Pathogenic. This variant has not been reported in the literature in individuals affected with CYP27A1-related conditions. This variant is not present in population databases (gnomAD no frequency). This sequence change creates a premature translational stop signal (p.Ala27Glyfs*154) in the CYP27A1 gene. It is expected to result in an absent or disrupted protein product. Loss-of-function variants in CYP27A1 are known to be pathogenic (PMID: 9392430, 10775536, 26937392).

Literature cited by the submitters: PubMed 9392430; PubMed 10775536; PubMed 26937392.